The following is an entry in ClinVar:

NM_144687.4(NLRP12):c.-107G>A

Gene: NLRP12 (NLR family pyrin domain containing 12; minus strand). Cytogenetic location: 19q13.42.
Variant type: single nucleotide variant.
Coding change: c.-107G>A on transcript NM_144687.4 (MANE Select); 107 bases upstream of the start codon, G replaced by A.
Molecular consequence: 5 prime UTR variant.
Genome position (GRCh38, 1-based): chr19:53,824,281, C>T on the plus strand (G>A on the coding strand, the complement: NLRP12 is on the minus strand). VCF-style: chr19-53824281-C-T. GRCh37 (hg19) VCF-style: chr19-54327535-C-T.
Other names: c.-107G>A (NM_001277126.2, NM_001277129.1).
Identifiers: ClinVar variation 330051 (VCV000330051.5), dbSNP rs186351375, ClinGen allele CA10652757.

ClinVar aggregate classification (germline): Benign (1 of 4 stars; one submission).

Conditions:
Familial cold autoinflammatory syndrome 2 (FCAS2). Identifiers: Orphanet 247868, MedGen C2673198, MONDO:0012724, OMIM 611762.

Allele frequency attached by ClinVar (database versions not stated): TOPMed 0.00036; gnomAD 0.00039 and 0.00042; 1000 Genomes Project 0.00040; gnomAD exomes 0.00043; 1000 Genomes Project 30x 0.00047.
gnomAD v4.1: 500 of 1,200,684 alleles (0.042%); highest among the groups gnomAD compares: Non-Finnish European, 0.053%; 1 homozygote.

Submission:

Illumina Laboratory Services, Illumina
Classification: Benign for Familial cold autoinflammatory syndrome 2. Last evaluated: 2018-01-12. Review status: criteria provided, single submitter. Criteria: ICSL Variant Classification Criteria 13 December 2019. Collection method: clinical testing. Allele origin: germline.
Comment: This variant was observed in the ICSL laboratory as part of a predisposition screen in an ostensibly healthy population. It had not been previously curated by ICSL or reported in the Human Gene Mutation Database (HGMD: prior to June 1st, 2018), and was therefore a candidate for classification through an automated scoring system. Utilizing variant allele frequency, disease prevalence and penetrance estimates, and inheritance mode, an automated score was calculated to assess if this variant is too frequent to cause the disease. Based on the score and internal cut-off values, a variant classified as benign is not then subjected to further curation. The score for this variant resulted in a classification of benign for this disease.